The following is an entry in ClinVar:

ClinVar aggregate classification (germline): Uncertain significance (1 of 4 stars; one submission).

Allele frequency attached by ClinVar (database versions not stated): gnomAD exomes below 0.00001.
gnomAD v4.1: 1 of 1,576,456 alleles (0.000063%); highest among the groups gnomAD compares: Non-Finnish European, 0.000087%; no homozygotes.

Submission:

Women's Health and Genetics/Laboratory Corporation of America, LabCorp
Classification: Uncertain significance. Last evaluated: 2022-06-22. Review status: criteria provided, single submitter. Criteria: LabCorp Variant Classification Summary - May 2015. Collection method: clinical testing. Allele origin: germline.
Comment: Variant summary: DDX6 c.647-13A>G alters a non-conserved nucleotide located close to a canonical splice site and therefore could affect mRNA splicing, leading to a significantly altered protein sequence. 4/4 computational tools predict no significant impact on normal splicing. However, these predictions have yet to be confirmed by functional studies. The variant was absent in 247578 control chromosomes (gnomAD). The available data on variant occurrences in the general population are insufficient to allow any conclusion about variant significance. To our knowledge, no occurrence of c.647-13A>G in individuals affected with Intellectual Developmental Disorder With Impaired Language And Dysmorphic Facies and no experimental evidence demonstrating its impact on protein function have been reported. No clinical diagnostic laboratories have submitted clinical-significance assessments for this variant to ClinVar after 2014. Based on the evidence outlined above, the variant was classified as uncertain significance.

NM_004397.6(DDX6):c.647-13A>G

Gene: DDX6 (DEAD-box helicase 6; minus strand). Cytogenetic location: 11q23.3.
Variant type: single nucleotide variant.
Coding change: c.647-13A>G on transcript NM_004397.6 (MANE Select); 13 bases into the intron before coding-DNA position 647, A replaced by G.
Molecular consequence: intron variant.
Genome position (GRCh38, 1-based): chr11:118,763,319, T>C on the plus strand (A>G on the coding strand, the complement: DDX6 is on the minus strand). VCF-style: chr11-118763319-T-C. GRCh37 (hg19) VCF-style: chr11-118634028-T-C.
Other names: c.647-13A>G (NM_001257191.3).
Identifiers: ClinVar variation 1698613 (VCV001698613.1), dbSNP rs2137451978, ClinGen allele CA2580083596.